The following is an entry in ClinVar:

ClinVar aggregate classification (germline): Uncertain significance (1 of 4 stars; one submission).

Conditions:
Cardiovascular phenotype. Identifiers: MedGen CN230736.

Allele frequency attached by ClinVar (database versions not stated): TOPMed 0.00003.
gnomAD v4.1: 27 of 1,550,322 alleles (0.0017%); highest among the groups gnomAD compares: South Asian, 0.0036%; no homozygotes.

Submission:

Ambry Genetics
Classification: Uncertain significance for Cardiovascular phenotype. Last evaluated: 2021-11-04. Review status: criteria provided, single submitter. Criteria: Ambry Variant Classification Scheme 2023. Collection method: clinical testing. Allele origin: germline.
Comment: The p.T1859I variant (also known as c.5576C>T), located in coding exon 2 of the ZNF469 gene, results from a C to T substitution at nucleotide position 5576. The threonine at codon 1859 is replaced by isoleucine, an amino acid with similar properties. This amino acid position is conserved. In addition, this alteration is predicted to be tolerated by in silico analysis. Since supporting evidence is limited at this time, the clinical significance of this alteration remains unclear.

NM_001367624.2(ZNF469):c.5660C>T (p.Thr1887Ile)

Gene: ZNF469 (zinc finger protein 469; plus strand). Cytogenetic location: 16q24.2.
Variant type: single nucleotide variant.
Coding change: c.5660C>T on transcript NM_001367624.2 (MANE Select); coding-DNA position 5660, C replaced by T.
Protein change: p.Thr1887Ile; replaces threonine 1887 with isoleucine.
Molecular consequence: missense variant.
Genome position (GRCh38, 1-based): chr16:88,433,130, C>T. VCF-style: chr16-88433130-C-T. GRCh37 (hg19) VCF-style: chr16-88499538-C-T.
Other names: NM_001127464.1:c.5576C>T; short protein forms T1887I.
Identifiers: ClinVar variation 1748389 (VCV001748389.2), dbSNP rs1412458634, ClinGen allele CA397101757.